The following is an entry in ClinVar:

NC_000004.11:g.(?_527587)_(533178_?)del

Gene: PIGG (phosphatidylinositol glycan anchor biosynthesis class G (EMM blood group); plus strand). Cytogenetic location: 4p16.3.
Variant type: Deletion.
Identifiers: ClinVar variation 1003315 (VCV001003315.1).

ClinVar aggregate classification (germline): Uncertain significance (1 of 4 stars; one submission).

Conditions:
Intellectual disability, autosomal recessive 53 (NEDHSCA). Also called: NEURODEVELOPMENTAL DISORDER WITH OR WITHOUT HYPOTONIA, SEIZURES, AND CEREBELLAR ATROPHY; GLYCOSYLPHOSPHATIDYLINOSITOL BIOSYNTHESIS DEFECT 13; Mental retardation, autosomal recessive 53. Identifiers: Orphanet 488635, MedGen C4310794, MONDO:0014832, OMIM 616917.

Submission:

Labcorp Genetics (formerly Invitae), Labcorp
Classification: Uncertain significance for Intellectual disability, autosomal recessive 53. Last evaluated: 2020-03-04. Review status: criteria provided, single submitter. Criteria: Invitae Variant Classification Sherloc (09022015). Collection method: clinical testing. Allele origin: germline.
Comment: This variant is a gross deletion of the genomic region encompassing exons 12-13 of the PIGG gene. The 5' boundary is likely confined to intron 11. The 3' end of this event is unknown as it extends through the termination codon beyond the assayed region for this gene and may encompass additional genes. While this deletion is not anticipated to result in nonsense mediated decay, it is expected to create a truncated protein product or disrupt mRNA translation. This variant has not been reported in the literature in individuals with PIGG-related conditions. Experimental studies and prediction algorithms are not available or were not evaluated, and the functional significance of this variant is currently unknown. In summary, the available evidence is currently insufficient to determine the role of this variant in disease. Therefore, it has been classified as a Variant of Uncertain Significance.